The following is an entry in ClinVar:

NM_006739.4(MCM5):c.1808G>A (p.Arg603His)

Gene: MCM5 (minichromosome maintenance complex component 5; plus strand). Cytogenetic location: 22q12.3.
Variant type: single nucleotide variant.
Coding change: c.1808G>A on transcript NM_006739.4 (MANE Select); coding-DNA position 1808, G replaced by A.
Protein change: p.Arg603His; replaces arginine 603 with histidine.
Molecular consequence: missense variant.
Genome position (GRCh38, 1-based): chr22:35,419,988, G>A. VCF-style: chr22-35419988-G-A. GRCh37 (hg19) VCF-style: chr22-35815981-G-A.
Other names: c.1808G>A (NM_006739.3); short protein forms R603H.
Identifiers: ClinVar variation 3719351 (VCV003719351.3).

ClinVar aggregate classification (germline): Uncertain significance. Review status: criteria provided, multiple submitters, no conflicts (2 of 4 stars). 2 submissions from 2 submitters: Uncertain significance (2). Last evaluated 2025-05-01.

gnomAD v4.1: 14 of 1,611,920 alleles (0.00087%); highest among the groups gnomAD compares: African/African-American, 0.013%; no homozygotes.

Submissions (2):

Ambry Genetics
Classification: Uncertain significance. Last evaluated: 2025-05-01. Review status: criteria provided, single submitter. Criteria: Ambry Variant Classification Scheme 2023. Collection method: clinical testing. Allele origin: germline.

Labcorp Genetics (formerly Invitae), Labcorp
Classification: Uncertain significance. Last evaluated: 2024-06-28. Review status: criteria provided, single submitter. Criteria: Invitae Variant Classification Sherloc (09022015). Collection method: clinical testing. Allele origin: germline.
Comment: This sequence change replaces arginine, which is basic and polar, with histidine, which is basic and polar, at codon 603 of the MCM5 protein (p.Arg603His). This variant is present in population databases (rs201459971, gnomAD 0.03%). This variant has not been reported in the literature in individuals affected with MCM5-related conditions. Advanced modeling of protein sequence and biophysical properties (such as structural, functional, and spatial information, amino acid conservation, physicochemical variation, residue mobility, and thermodynamic stability) performed at Invitae indicates that this missense variant is not expected to disrupt MCM5 protein function with a negative predictive value of 80%. In summary, the available evidence is currently insufficient to determine the role of this variant in disease. Therefore, it has been classified as a Variant of Uncertain Significance.